The following is an entry in ClinVar:

ClinVar aggregate classification (germline): Uncertain significance (1 of 4 stars; one submission).

gnomAD v4.1: 2 of 1,611,356 alleles (0.00012%); highest among the groups gnomAD compares: African/African-American, 0.0013%; no homozygotes.

Submission:

Labcorp Genetics (formerly Invitae), Labcorp
Classification: Uncertain significance. Last evaluated: 2025-04-30. Review status: criteria provided, single submitter. Criteria: Invitae Variant Classification Sherloc (09022015). Collection method: clinical testing. Allele origin: germline.
Comment: This sequence change replaces asparagine, which is neutral and polar, with serine, which is neutral and polar, at codon 253 of the PSMB4 protein (p.Asn253Ser). This variant is present in population databases (rs752003327, gnomAD 0.007%). This variant has not been reported in the literature in individuals affected with PSMB4-related conditions. An algorithm developed to predict the effect of missense changes on protein structure and function outputs the following: PolyPhen-2: "Benign". The serine amino acid residue is found in multiple mammalian species, which suggests that this missense change does not adversely affect protein function. In summary, the available evidence is currently insufficient to determine the role of this variant in disease. Therefore, it has been classified as a Variant of Uncertain Significance.

NM_002796.3(PSMB4):c.758A>G (p.Asn253Ser)

Gene: PSMB4 (proteasome 20S subunit beta 4; plus strand). Cytogenetic location: 1q21.3.
Variant type: single nucleotide variant.
Coding change: c.758A>G on transcript NM_002796.3 (MANE Select); coding-DNA position 758, A replaced by G.
Protein change: p.Asn253Ser; replaces asparagine 253 with serine.
Molecular consequence: missense variant.
Genome position (GRCh38, 1-based): chr1:151,401,606, A>G. VCF-style: chr1-151401606-A-G. GRCh37 (hg19) VCF-style: chr1-151374082-A-G.
Other names: short protein forms N253S.
Identifiers: ClinVar variation 4769425 (VCV004769425.1).
Genomic context (GRCh38, chr1:151,401,606, plus strand): 5'-AAATCGCCACTGTCACCGAAAAAGGTGTTGAAATAGAGGGACCATTGTCTACAGAGACCA[A>G]CTGGGATATTGCCCACATGATCAGGTGAGTAATAGGGAAAAAATTGGTGACAGACTTGGG-3'
Protein context (NP_002787.2, residues 243-263): EIEGPLSTET[Asn253Ser]WDIAHMISGF